The following is an entry in ClinVar:

NM_001614.5(ACTG1):c.18C>T (p.Ala6=)

Gene: ACTG1 (actin gamma 1; minus strand). Cytogenetic location: 17q25.3.
Variant type: single nucleotide variant.
Coding change: c.18C>T on transcript NM_001614.5 (MANE Select); coding-DNA position 18, C replaced by T.
Protein change: p.Ala6=; no amino-acid change (alanine 6 retained).
Molecular consequence: synonymous variant. On other transcripts: non-coding transcript variant (1).
Genome position (GRCh38, 1-based): chr17:81,512,337, G>A on the plus strand (C>T on the coding strand, the complement: ACTG1 is on the minus strand). VCF-style: chr17-81512337-G-A. GRCh37 (hg19) VCF-style: chr17-79479363-G-A.
Other names: p.Ala6=; c.18C>T, p.Ala6= (NM_001199954.3).
Identifiers: ClinVar variation 227165 (VCV000227165.45), dbSNP rs145211830, ClinGen allele CA8836419.

ClinVar aggregate classification (germline): Benign/Likely benign. Review status: criteria provided, multiple submitters, no conflicts (2 of 4 stars). 9 submissions from 8 submitters: Benign (5); Likely benign (4). Last evaluated 2026-09-01.

Conditions:
Baraitser-winter syndrome 2. Identifiers: Orphanet 2995, MedGen C3281235, MONDO:0013812, OMIM 614583.
Autosomal dominant nonsyndromic hearing loss 20. Identifiers: Orphanet 90635, MedGen C1858172, MONDO:0011480, OMIM 604717.

Allele frequency attached by ClinVar (database versions not stated): 1000 Genomes Project 0.00040; 1000 Genomes Project 30x 0.00094; ExAC 0.00108; gnomAD exomes 0.00109 and 0.00194; TOPMed 0.00111; gnomAD 0.00128 and 0.00131; ESP Exome Variant Server 0.00161.
gnomAD v4.1: 3,001 of 1,613,960 alleles (0.19%); highest among the groups gnomAD compares: Non-Finnish European, 0.23%; 7 homozygotes.

Submissions (9):

CeGaT Center for Human Genetics Tuebingen
Classification: Likely benign. Last evaluated: 2026-09-01. Review status: criteria provided, single submitter. Criteria: CeGaT Center For Human Genetics Tuebingen Variant Classification Criteria Version 2. Collection method: clinical testing. Allele origin: germline. Affected: yes. Observed: 10 variant alleles.
Comment: ACTG1: BP4, BP7

Labcorp Genetics (formerly Invitae), Labcorp
Classification: Benign for Baraitser-winter syndrome 2; Autosomal dominant nonsyndromic hearing loss 20. Last evaluated: 2026-02-03. Review status: criteria provided, single submitter. Criteria: Invitae Variant Classification Sherloc (09022015). Collection method: clinical testing. Allele origin: germline.

Blueprint Genetics
Classification: Likely benign. Last evaluated: 2024-11-20. Review status: criteria provided, single submitter. Criteria: ACMG Guidelines, 2015. Collection method: clinical testing. Allele origin: germline.

Mayo Clinic Laboratories, Mayo Clinic
Classification: Benign. Last evaluated: 2023-01-20. Review status: criteria provided, single submitter. Criteria: ACMG Guidelines, 2015. Collection method: clinical testing. Allele origin: germline. Observed: 2 variant alleles.
Comment: BA1, BP4, BP7

Genome-Nilou Lab
Classification: Benign for Baraitser-winter syndrome 2. Last evaluated: 2021-12-05. Review status: criteria provided, single submitter. Criteria: ACMG Guidelines, 2015. Collection method: clinical testing. Allele origin: germline. Affected: no.

Genome-Nilou Lab
Classification: Benign for Autosomal dominant nonsyndromic hearing loss 20. Last evaluated: 2021-12-05. Review status: criteria provided, single submitter. Criteria: ACMG Guidelines, 2015. Collection method: clinical testing. Allele origin: germline. Affected: no.

GeneDx
Classification: Benign. Last evaluated: 2018-07-20. Review status: criteria provided, single submitter. Criteria: GeneDx Variant Classification Process June 2021. Collection method: clinical testing. Allele origin: germline. Affected: yes.

Genetic Services Laboratory, University of Chicago
Classification: Likely benign. Last evaluated: 2017-12-11. Review status: criteria provided, single submitter. Criteria: ACMG Guidelines, 2015. Collection method: clinical testing. Allele origin: germline. Affected: no.

Laboratory for Molecular Medicine, Mass General Brigham Personalized Medicine
Classification: Likely benign. Last evaluated: 2017-07-25. Review status: criteria provided, single submitter. Criteria: LMM Criteria. Collection method: clinical testing. Allele origin: germline. Observed: 5 variant alleles.
Comment: p.Ala6Ala in exon 2 of ACTG1: This variant is not expected to have clinical sign ificance because it does not alter an amino acid residue and is not located with in the splice consensus sequence. It has been identified in 0.2% (251/ 126672) o f European chromosomes by the Exome Genome Aggregation Database (dbSNP rs145211830).